The following is an entry in ClinVar:

ClinVar aggregate classification (germline): Conflicting classifications of pathogenicity. Review status: criteria provided, conflicting classifications (1 of 4 stars). 4 submissions from 4 submitters: Uncertain significance (2); Likely benign (2). Last evaluated 2026-06-01.

Conditions:
Inborn genetic diseases. Identifiers: MedGen C0950123, MeSH D030342.

Allele frequency attached by ClinVar (database versions not stated): gnomAD exomes 0.00006 and 0.00010; ESP Exome Variant Server 0.00008; gnomAD 0.00009; ExAC 0.00011; TOPMed 0.00017; 1000 Genomes Project 0.00040; 1000 Genomes Project 30x 0.00047.

Submissions (4):

CeGaT Center for Human Genetics Tuebingen
Classification: Likely benign. Last evaluated: 2026-06-01. Review status: criteria provided, single submitter. Criteria: CeGaT Center For Human Genetics Tuebingen Variant Classification Criteria Version 2. Collection method: clinical testing. Allele origin: germline. Affected: yes. Observed: 2 variant alleles.
Comment: DLL1: BS2

Labcorp Genetics (formerly Invitae), Labcorp
Classification: Uncertain significance. Last evaluated: 2025-07-16. Review status: criteria provided, single submitter. Criteria: Invitae Variant Classification Sherloc (09022015). Collection method: clinical testing. Allele origin: germline.
Comment: This sequence change replaces arginine, which is basic and polar, with tryptophan, which is neutral and slightly polar, at codon 577 of the DLL1 protein (p.Arg577Trp). This variant is present in population databases (rs375436597, gnomAD 0.03%). This variant has not been reported in the literature in individuals affected with DLL1-related conditions. ClinVar contains an entry for this variant (Variation ID: 1315255). An algorithm developed to predict the effect of missense changes on protein structure and function (PolyPhen-2) suggests that this variant is likely to be disruptive. In summary, the available evidence is currently insufficient to determine the role of this variant in disease. Therefore, it has been classified as a Variant of Uncertain Significance.

Ambry Genetics
Classification: Likely benign for Inborn genetic diseases. Last evaluated: 2023-02-08. Review status: criteria provided, single submitter. Criteria: Ambry Variant Classification Scheme 2023. Collection method: clinical testing. Allele origin: germline.

GeneDx
Classification: Uncertain significance. Last evaluated: 2020-01-30. Review status: criteria provided, single submitter. Criteria: GeneDx Variant Classification Process June 2021. Collection method: clinical testing. Allele origin: germline. Affected: yes.
Comment: In silico analysis, which includes protein predictors and evolutionary conservation, supports a deleterious effect; Has not been previously published as pathogenic or benign to our knowledge

NM_005618.4(DLL1):c.1729C>T (p.Arg577Trp)

Gene: DLL1 (delta like canonical Notch ligand 1; minus strand). Cytogenetic location: 6q27.
Variant type: single nucleotide variant.
Coding change: c.1729C>T on transcript NM_005618.4 (MANE Select); coding-DNA position 1729, C replaced by T.
Protein change: p.Arg577Trp; replaces arginine 577 with tryptophan.
Molecular consequence: missense variant.
Genome position (GRCh38, 1-based): chr6:170,283,550, G>A on the plus strand (C>T on the coding strand, the complement: DLL1 is on the minus strand). VCF-style: chr6-170283550-G-A. GRCh37 (hg19) VCF-style: chr6-170592638-G-A.
Other names: short protein forms R577W.
Identifiers: ClinVar variation 1315255 (VCV001315255.17), dbSNP rs375436597, ClinGen allele CA4106747.
Genomic context (GRCh38, chr6:170,283,550, plus strand): 5'-GGCAGTTGGCCAGGTTGTTCATGGTCTCCGTCTCCCCCCGGCAGGGGTCGGCTGGGGGCC[G>A]GTGCTTCTGCAGCCTCAGCCGGACGCAGACCACCACAGCGGCACAGCCCAGCAGCAGCAT-3'
Protein context (NP_005609.3, residues 567-587): VCVRLRLQKH[Arg577Trp]PPADPCRGET